The following is an entry in ClinVar:

NM_006379.5(SEMA3C):c.-39+750G>C

Gene: SEMA3C (semaphorin 3C; minus strand). Cytogenetic location: 7q21.11.
Variant type: single nucleotide variant.
Coding change: c.-39+750G>C on transcript NM_006379.5 (MANE Select); 750 bases into the intron after 39 bases upstream of the start codon, G replaced by C.
Molecular consequence: intron variant.
Genome position (GRCh38, 1-based): chr7:80,918,078, C>G on the plus strand (G>C on the coding strand, the complement: SEMA3C is on the minus strand). VCF-style: chr7-80918078-C-G. GRCh37 (hg19) VCF-style: chr7-80547394-C-G.
Other names: c.17-1259G>C (NM_001350120.2); c.-301+750G>C (NM_001350121.2).
Identifiers: ClinVar variation 4999445 (VCV004999445.1).

ClinVar aggregate classification (germline): Likely benign (1 of 4 stars; one submission).

Conditions:
SEMA3C-related disorder. Also called: SEMA3C-related condition.

gnomAD v4.1: 1 of 152,142 alleles (0.00066%); highest among the groups gnomAD compares: African/African-American, 0.0024%; no homozygotes.

Submission:

PreventionGenetics, part of Exact Sciences
Classification: Likely benign for SEMA3C-related condition. Last evaluated: 2026-02-09. Review status: criteria provided, single submitter. Criteria: ACMG Guidelines, 2015. Collection method: clinical testing. Allele origin: germline.
Comment: This variant is classified as likely benign based on ACMG/AMP sequence variant interpretation guidelines (Richards et al. 2015 PMID: 25741868, with internal and published modifications).